The following is an entry in ClinVar:

NM_013432.5(TONSL):c.4030C>T (p.Leu1344Phe)

Gene: TONSL (tonsoku like, DNA repair protein; minus strand). Cytogenetic location: 8q24.3.
Variant type: single nucleotide variant.
Coding change: c.4030C>T on transcript NM_013432.5 (MANE Select); coding-DNA position 4030, C replaced by T.
Protein change: p.Leu1344Phe; replaces leucine 1344 with phenylalanine.
Molecular consequence: missense variant.
Genome position (GRCh38, 1-based): chr8:144,429,250, G>A on the plus strand (C>T on the coding strand, the complement: TONSL is on the minus strand). VCF-style: chr8-144429250-G-A. GRCh37 (hg19) VCF-style: chr8-145654633-G-A.
Other names: short protein forms L1344F.
Identifiers: ClinVar variation 4806992 (VCV004806992.1).

ClinVar aggregate classification (germline): Uncertain significance (1 of 4 stars; one submission).

Submission:

Labcorp Genetics (formerly Invitae), Labcorp
Classification: Uncertain significance. Last evaluated: 2025-06-07. Review status: criteria provided, single submitter. Criteria: Invitae Variant Classification Sherloc (09022015). Collection method: clinical testing. Allele origin: germline.
Comment: This sequence change replaces leucine, which is neutral and non-polar, with phenylalanine, which is neutral and non-polar, at codon 1344 of the TONSL protein (p.Leu1344Phe). This variant is present in population databases (no rsID available, gnomAD 0.004%). This variant has not been reported in the literature in individuals affected with TONSL-related conditions. Invitae Evidence Modeling of protein sequence and biophysical properties (such as structural, functional, and spatial information, amino acid conservation, physicochemical variation, residue mobility, and thermodynamic stability) indicates that this missense variant is expected to disrupt TONSL protein function with a positive predictive value of 80%. In summary, the available evidence is currently insufficient to determine the role of this variant in disease. Therefore, it has been classified as a Variant of Uncertain Significance.